The following is an entry in ClinVar:

NM_000088.4(COL1A1):c.1713_1720del (p.Gly572fs)

Gene: COL1A1 (collagen type I alpha 1 chain; minus strand). Cytogenetic location: 17q21.33.
Variant type: Deletion.
Coding change: c.1713_1720del on transcript NM_000088.4 (MANE Select); coding-DNA positions 1713 to 1720, 8 bases deleted (TGGTGCCC; older notation c.1713_1720delTGGTGCCC).
Protein change: p.Gly572fs; shifts the reading frame from glycine 572.
Molecular consequence: frameshift variant.
Genome position (GRCh38, 1-based): chr17:50,193,990-50,193,997, GGGCACCA deleted on the plus strand (TGGTGCCC on the coding strand, the reverse complement: COL1A1 is on the minus strand); deleting any 8 consecutive bases within chr17:50,193,990-50,193,999 gives the same sequence; the c. name uses the placement nearest the transcript's 3' end. VCF-style (leftmost placement, unchanged base first): chr17-50193989-CGGGCACCA-C. GRCh37 (hg19) VCF-style: chr17-48271350-CGGGCACCA-C.
Other names: short protein forms G572fs.
Identifiers: ClinVar variation 933331 (VCV000933331.3), dbSNP rs1907332311, ClinGen allele CA1139665704.
Genomic context (GRCh38, chr17:50,193,989, plus strand): 5'-CACTTAATACTCACAGCAGCACCTTTAGGTCCAGGGAATCCCATCACACCAGCCTGACCA[CGGGCACCA>C]GGTGGGCCTGGGGGTCCGGGGCGACCATCTTGACCGGCGGGACCCTAAGGATGGGAGGCA-3'

ClinVar aggregate classification (germline): Pathogenic (1 of 4 stars; one submission).

Conditions:
Osteogenesis imperfecta type I (OI1). Also called: Lobstein's Disease; Osteogenesis imperfecta type 1; OI, TYPE I; OSTEOGENESIS IMPERFECTA TARDA; OSTEOGENESIS IMPERFECTA WITH BLUE SCLERAE; Lobstein disease. Identifiers: Orphanet 216796, Orphanet 666, MedGen C0023931, MONDO:0008146, OMIM 166200. Disease mechanism: loss of function.

Submission:

Labcorp Genetics (formerly Invitae), Labcorp
Classification: Pathogenic for Osteogenesis imperfecta type I. Last evaluated: 2019-07-26. Review status: criteria provided, single submitter. Criteria: Invitae Variant Classification Sherloc (09022015). Collection method: clinical testing. Allele origin: germline.
Comment: This sequence change creates a premature translational stop signal (p.Gly572Trpfs*12) in the COL1A1 gene. It is expected to result in an absent or disrupted protein product. This variant is not present in population databases (ExAC no frequency). This variant has not been reported in the literature in individuals with COL1A1-related conditions. Loss-of-function variants in COL1A1 are known to be pathogenic (PMID: 7942841, 9295084, 9443882). For these reasons, this variant has been classified as Pathogenic.

Literature cited by the submitters: PubMed 7942841; PubMed 9295084; PubMed 9443882.